The following is an entry in ClinVar:

NM_152424.4(AMER1):c.3274C>T (p.Pro1092Ser)

Gene: AMER1 (APC membrane recruitment protein 1; minus strand). Cytogenetic location: Xq11.2.
Variant type: single nucleotide variant.
Coding change: c.3274C>T on transcript NM_152424.4 (MANE Select); coding-DNA position 3274, C replaced by T.
Protein change: p.Pro1092Ser; replaces proline 1092 with serine.
Molecular consequence: missense variant.
Genome position (GRCh38, 1-based): chrX:64,190,013, G>A on the plus strand (C>T on the coding strand, the complement: AMER1 is on the minus strand). VCF-style: chrX-64190013-G-A. GRCh37 (hg19) VCF-style: chrX-63409893-G-A.
Other names: short protein forms P1092S.
Identifiers: ClinVar variation 1930140 (VCV001930140.5), dbSNP rs1176926572, ClinGen allele CA413301154.

ClinVar aggregate classification (germline): Uncertain significance (1 of 4 stars; one submission).

Allele frequency attached by ClinVar (database versions not stated): TOPMed 0.00002; gnomAD exomes 0.00010.
gnomAD v4.1: 104 of 1,204,971 alleles (0.0086%); highest among the groups gnomAD compares: Non-Finnish European, 0.012%; no homozygotes.

Submission:

Labcorp Genetics (formerly Invitae), Labcorp
Classification: Uncertain significance. Last evaluated: 2024-05-15. Review status: criteria provided, single submitter. Criteria: Invitae Variant Classification Sherloc (09022015). Collection method: clinical testing. Allele origin: germline.
Comment: This sequence change replaces proline, which is neutral and non-polar, with serine, which is neutral and polar, at codon 1092 of the AMER1 protein (p.Pro1092Ser). The frequency data for this variant in the population databases is considered unreliable, as metrics indicate poor data quality at this position in the gnomAD database. This variant has not been reported in the literature in individuals affected with AMER1-related conditions. ClinVar contains an entry for this variant (Variation ID: 1930140). Algorithms developed to predict the effect of missense changes on protein structure and function output the following: SIFT: "Not Available"; PolyPhen-2: "Benign"; Align-GVGD: "Not Available". The serine amino acid residue is found in multiple mammalian species, which suggests that this missense change does not adversely affect protein function. In summary, the available evidence is currently insufficient to determine the role of this variant in disease. Therefore, it has been classified as a Variant of Uncertain Significance.